The following is an entry in ClinVar:

ClinVar aggregate classification (germline): Conflicting classifications of pathogenicity. Review status: criteria provided, conflicting classifications (1 of 4 stars). 5 submissions from 5 submitters: Uncertain significance (1); Likely benign (3). 1 of the submissions does not count toward it. Last evaluated 2025-05-01.

Conditions:
TEX15-related disorder. Also called: TEX15-related condition.
Spermatogenic failure 25. Identifiers: MedGen C4693765, MONDO:0054729, OMIM 617960.

Allele frequency attached by ClinVar (database versions not stated): 1000 Genomes Project 0.00220; 1000 Genomes Project 30x 0.00234; gnomAD exomes 0.00350 and 0.00457; ExAC 0.00351; TOPMed 0.00377; ESP Exome Variant Server 0.00400; gnomAD 0.00418 and 0.00427.
gnomAD v4.1: 7,319 of 1,613,778 alleles (0.45%); highest among the groups gnomAD compares: Non-Finnish European, 0.52%; 19 homozygotes.

Submissions (5):

CeGaT Center for Human Genetics Tuebingen
Classification: Likely benign. Last evaluated: 2025-05-01. Review status: criteria provided, single submitter. Criteria: CeGaT Center For Human Genetics Tuebingen Variant Classification Criteria Version 2. Collection method: clinical testing. Allele origin: germline. Affected: yes. Observed: 1 variant allele.
Comment: TEX15: BP4, BS2

Yatsenko Laboratory, Magee-Womens Research Institute, University of Pittsburgh
Classification: Uncertain significance for Spermatogenic failure 25. Last evaluated: 2022-12-30. Review status: criteria provided, single submitter. Criteria: ACMG Guidelines, 2015. Collection method: research. Allele origin: unknown. Affected: no.

Labcorp Genetics (formerly Invitae), Labcorp
Classification: Likely benign. Last evaluated: 2018-06-06. Review status: criteria provided, single submitter. Criteria: Invitae Variant Classification Sherloc (09022015). Collection method: clinical testing. Allele origin: germline.

Breakthrough Genomics
Classification: Likely benign. Review status: criteria provided, single submitter. Criteria: ACMG Guidelines, 2015. Collection method: not provided. Allele origin: germline. Inheritance: Autosomal recessive inheritance. Affected: yes.

PreventionGenetics, part of Exact Sciences
Classification: Benign for TEX15-related condition. Last evaluated: 2019-07-16. Review status: no assertion criteria provided. Collection method: clinical testing. Allele origin: germline. Not counted in ClinVar's aggregate classification.
Comment: This variant is classified as benign based on ACMG/AMP sequence variant interpretation guidelines (Richards et al. 2015 PMID: 25741868, with internal and published modifications).

NM_001350162.2(TEX15):c.3563C>T (p.Ala1188Val)

Gene: TEX15 (testis expressed 15, meiosis and synapsis associated; minus strand). Cytogenetic location: 8p12.
Variant type: single nucleotide variant.
Coding change: c.3563C>T on transcript NM_001350162.2 (MANE Select); coding-DNA position 3563, C replaced by T.
Protein change: p.Ala1188Val; replaces alanine 1188 with valine.
Molecular consequence: missense variant.
Genome position (GRCh38, 1-based): chr8:30,846,604, G>A on the plus strand (C>T on the coding strand, the complement: TEX15 is on the minus strand). VCF-style: chr8-30846604-G-A. GRCh37 (hg19) VCF-style: chr8-30704120-G-A.
Other names: c.2414C>T (NM_031271.3); short protein forms A1188V.
Identifiers: ClinVar variation 708791 (VCV000708791.17), dbSNP rs117788795, ClinGen allele CA4703227.
Genomic context (GRCh38, chr8:30,846,604, plus strand): 5'-TGGGAATAAATGTCAAATCCTAGAATTTCTCCATCTTCCTTATTTATTTCCGGTTTTGTG[G>A]CTTCAGTTACATGTGTGCAAAAACTATCTTTCAATGCAAGGGAGTCAGCTGTCGGGCTGA-3'
Protein context (NP_001337091.1, residues 1178-1198): KDSFCTHVTE[Ala1188Val]TKPEINKEDG